The following is an entry in ClinVar:

NM_016373.4(WWOX):c.791+5G>C

Gene: WWOX (WW domain containing oxidoreductase; plus strand). Cytogenetic location: 16q23.1.
Variant type: single nucleotide variant.
Coding change: c.791+5G>C on transcript NM_016373.4 (MANE Select); 5 bases into the intron after coding-DNA position 791, G replaced by C.
Molecular consequence: intron variant.
Genome position (GRCh38, 1-based): chr16:78,425,060, G>C. VCF-style: chr16-78425060-G-C. GRCh37 (hg19) VCF-style: chr16-78458957-G-C.
Other names: c.452+5G>C (NM_001291997.2).
Identifiers: ClinVar variation 473031 (VCV000473031.7), dbSNP rs756074406, ClinGen allele CA8183459.
Genomic context (GRCh38, chr16:78,425,060, plus strand): 5'-GTTTTGTGCCGCTCAGCTCCTGCCCGTGTCATTGTGGTCTCCTCAGAGTCCCATCGGTGG[G>C]TTTGAATTGCATATTTGTTCACTTATCCCCTTTCTCATACCAGCTAATATTCCCCCAAGG-3'

ClinVar aggregate classification (germline): Uncertain significance (1 of 4 stars; one submission).

Conditions:
Autosomal recessive spinocerebellar ataxia 12. Also called: SPINOCEREBELLAR ATAXIA WITH MENTAL RETARDATION AND EPILEPSY. Identifiers: Orphanet 284282, MedGen C3280452, MONDO:0013687, OMIM 614322.
Developmental and epileptic encephalopathy, 1 (DEE1). Also called: X-linked infantile spasms; West's syndrome; Tonic spasms with clustering, arrest of psychomotor development and hypsarrhythmia on EEG; X-Linked Infantile Spasm Syndrome; OHTAHARA SYNDROME, X-LINKED; INFANTILE SPASM SYNDROME, X-LINKED 1. Identifiers: MedGen C3463992, MONDO:0010632, OMIM 308350. Disease mechanism: loss of function.

Allele frequency attached by ClinVar (database versions not stated): ExAC 0.00001; TOPMed 0.00001; gnomAD exomes 0.00002.
gnomAD v4.1: 5 of 1,613,296 alleles (0.00031%); highest among the groups gnomAD compares: East Asian, 0.0045%; no homozygotes.

Submission:

Labcorp Genetics (formerly Invitae), Labcorp
Classification: Uncertain significance for Developmental and epileptic encephalopathy, 1; Autosomal recessive spinocerebellar ataxia 12. Last evaluated: 2017-02-07. Review status: criteria provided, single submitter. Criteria: Invitae Variant Classification Sherloc (09022015). Collection method: clinical testing. Allele origin: germline.
Comment: This sequence change falls in intron 7 of the WWOX gene. It does not directly change the encoded amino acid sequence of the WWOX protein, but it affects a nucleotide within the consensus splice site of the intron. This variant is present in population databases (rs756074406, ExAC 0.01%) but has not been reported in the literature in individuals with a WWOX-related disease. Nucleotide substitutions within the consensus splice site are relatively common causes of aberrant splicing (PMID: 17576681, 9536098). Algorithms developed to predict the effect of nucleotide changes on RNA splicing suggest that this variant may alter RNA splicing, but this prediction has not been confirmed by published transcriptional studies. In summary, this is a rare intronic change with uncertain impact on splicing. It has been classified as a Variant of Uncertain Significance.

Literature cited by the submitters: PubMed 17576681; PubMed 9536098.